The following is an entry in ClinVar:

ClinVar aggregate classification (germline): Pathogenic (1 of 4 stars; one submission).

Conditions:
Glycine encephalopathy. Also called: Non-ketotic hyperglycinemia; Nonketotic hyperglycinemia. Identifiers: Orphanet 407, MedGen C0751748, MONDO:0011612, HP:0008288.

Submission:

Labcorp Genetics (formerly Invitae), Labcorp
Classification: Pathogenic for Glycine encephalopathy. Last evaluated: 2023-07-25. Review status: criteria provided, single submitter. Criteria: Invitae Variant Classification Sherloc (09022015). Collection method: clinical testing. Allele origin: germline.
Comment: For these reasons, this variant has been classified as Pathogenic. This variant has not been reported in the literature in individuals affected with GLDC-related conditions. This variant is a gross deletion of the genomic region encompassing exon(s) 6-8 of the GLDC gene. This deletion is out-of-frame, and is expected to create a premature termination codon and result in an absent or disrupted protein product. Loss-of-function variants in GLDC are known to be pathogenic (PMID: 16601880).

Literature cited by the submitters: PubMed 16601880.

NC_000009.11:g.(?_6602089)_(6605298_?)del

Gene: GLDC (glycine decarboxylase; minus strand). Cytogenetic location: 9p24.1.
Variant type: Deletion.
Identifiers: ClinVar variation 1354174 (VCV001354174.8).